The following is an entry in ClinVar:

ClinVar aggregate classification (germline): Uncertain significance (1 of 4 stars; one submission).

Conditions:
RYR1-related disorder. Also called: RYR1-related condition; RYR1-related disorders. Identifiers: MedGen CN239331.

gnomAD v4.1: 1 of 1,396,756 alleles (0.000072%); no homozygotes.

Submission:

Labcorp Genetics (formerly Invitae), Labcorp
Classification: Uncertain significance for RYR1-related disorder. Last evaluated: 2022-06-22. Review status: criteria provided, single submitter. Criteria: Invitae Variant Classification Sherloc (09022015). Collection method: clinical testing. Allele origin: germline.
Comment: This sequence change replaces proline, which is neutral and non-polar, with arginine, which is basic and polar, at codon 4448 of the RYR1 protein (p.Pro4448Arg). This variant is not present in population databases (gnomAD no frequency). This variant has not been reported in the literature in individuals affected with RYR1-related conditions. Advanced modeling of protein sequence and biophysical properties (such as structural, functional, and spatial information, amino acid conservation, physicochemical variation, residue mobility, and thermodynamic stability) performed at Invitae indicates that this missense variant is not expected to disrupt RYR1 protein function. In summary, the available evidence is currently insufficient to determine the role of this variant in disease. Therefore, it has been classified as a Variant of Uncertain Significance.

NM_000540.3(RYR1):c.13343C>G (p.Pro4448Arg)

Genes: RYR1 (ryanodine receptor 1; plus strand), LOC130064357 (ATAC-STARR-seq lymphoblastoid silent region 10577; plus strand). Cytogenetic location: 19q13.2.
Variant type: single nucleotide variant.
Coding change: c.13343C>G on transcript NM_000540.3 (MANE Select); coding-DNA position 13343, C replaced by G.
Protein change: p.Pro4448Arg; replaces proline 4448 with arginine.
Molecular consequence: missense variant.
Genome position (GRCh38, 1-based): chr19:38,565,677, C>G. VCF-style: chr19-38565677-C-G. GRCh37 (hg19) VCF-style: chr19-39056317-C-G.
Other names: c.13328C>G, p.Pro4443Arg (NM_001042723.2); short protein forms P4448R, P4443R.
Identifiers: ClinVar variation 2143652 (VCV002143652.1), dbSNP rs1258038905, ClinGen allele CA405675138.
Genomic context (GRCh38, chr19:38,565,677, plus strand): 5'-AGGCCGGGCCGGGCGGTGCCGACGGGGCGGTGGCCGTGACCGATGGGGGCCCCTTCCGGC[C>G]CGAAGGGGCTGGCGGTCTCGGGGACATGGGGGACACGACGCCTGCGGAACCGCCCACACC-3'
Protein context (NP_000531.2, residues 4438-4458): VAVTDGGPFR[Pro4448Arg]EGAGGLGDMG